The following is an entry in ClinVar:

ClinVar aggregate classification (germline): Uncertain significance. Review status: criteria provided, multiple submitters, no conflicts (2 of 4 stars). 2 submissions from 2 submitters: Uncertain significance (2). Last evaluated 2025-10-20.

Conditions:
Adams-Oliver syndrome 5 (AOS5). Identifiers: Orphanet 974, MedGen C4014970, MONDO:0014459, OMIM 616028.
Familial thoracic aortic aneurysm and aortic dissection (TAAD). Also called: Thoracic aortic aneurysms and dissections. Identifiers: Orphanet 91387, MedGen C4707243, MONDO:0019625.

Submissions (2):

Labcorp Genetics (formerly Invitae), Labcorp
Classification: Uncertain significance for Adams-Oliver syndrome 5. Last evaluated: 2025-10-20. Review status: criteria provided, single submitter. Criteria: Invitae Variant Classification Sherloc (09022015). Collection method: clinical testing. Allele origin: germline.
Comment: This sequence change replaces histidine, which is basic and polar, with asparagine, which is neutral and polar, at codon 1601 of the NOTCH1 protein (p.His1601Asn). This variant is not present in population databases (gnomAD no frequency). This variant has not been reported in the literature in individuals affected with NOTCH1-related conditions. ClinVar contains an entry for this variant (Variation ID: 1743203). Invitae Evidence Modeling of protein sequence and biophysical properties (such as structural, functional, and spatial information, amino acid conservation, physicochemical variation, residue mobility, and thermodynamic stability) indicates that this missense variant is not expected to disrupt NOTCH1 protein function with a negative predictive value of 80%. In summary, the available evidence is currently insufficient to determine the role of this variant in disease. Therefore, it has been classified as a Variant of Uncertain Significance.

Ambry Genetics
Classification: Uncertain significance for Familial thoracic aortic aneurysm and aortic dissection. Last evaluated: 2022-06-22. Review status: criteria provided, single submitter. Criteria: Ambry Variant Classification Scheme 2023. Collection method: clinical testing. Allele origin: germline.
Comment: The p.H1601N variant (also known as c.4801C>A), located in coding exon 26 of the NOTCH1 gene, results from a C to A substitution at nucleotide position 4801. The histidine at codon 1601 is replaced by asparagine, an amino acid with similar properties. This amino acid position is conserved. In addition, the in silico prediction for this alteration is inconclusive. Since supporting evidence is limited at this time, the clinical significance of this alteration remains unclear.

NM_017617.5(NOTCH1):c.4801C>A (p.His1601Asn)

Gene: NOTCH1 (notch receptor 1; minus strand). Cytogenetic location: 9q34.3.
Variant type: single nucleotide variant.
Coding change: c.4801C>A on transcript NM_017617.5 (MANE Select); coding-DNA position 4801, C replaced by A.
Protein change: p.His1601Asn; replaces histidine 1601 with asparagine.
Molecular consequence: missense variant.
Genome position (GRCh38, 1-based): chr9:136,504,890, G>T on the plus strand (C>A on the coding strand, the complement: NOTCH1 is on the minus strand). VCF-style: chr9-136504890-G-T. GRCh37 (hg19) VCF-style: chr9-139399342-G-T.
Other names: short protein forms H1601N.
Identifiers: ClinVar variation 1743203 (VCV001743203.3), dbSNP rs2133336710, ClinGen allele CA375644929.